The following is an entry in ClinVar:

NM_001243279.3(ACSF3):c.1029G>A (p.Trp343Ter)

Genes: ACSF3 (acyl-CoA synthetase family member 3; plus strand), LOC125177393 (P300/CBP strongly-dependent group 1 enhancer GRCh37_chr16:89180375-89181574; plus strand). Cytogenetic location: 16q24.3.
Variant type: single nucleotide variant.
Coding change: c.1029G>A on transcript NM_001243279.3 (MANE Select); coding-DNA position 1029, G replaced by A.
Protein change: p.Trp343Ter; replaces tryptophan 343 with a stop codon.
Molecular consequence: nonsense. On other transcripts: non-coding transcript variant (2).
Genome position (GRCh38, 1-based): chr16:89,114,390, G>A. VCF-style: chr16-89114390-G-A. GRCh37 (hg19) VCF-style: chr16-89180798-G-A.
Other names: c.1029G>A, p.Trp343Ter (NM_001127214.4, NM_174917.5); c.234G>A, p.Trp78Ter (NM_001284316.2); short protein forms W343*, W78*.
Identifiers: ClinVar variation 1978114 (VCV001978114.5), dbSNP rs1230056944, ClinGen allele CA397140401.

ClinVar aggregate classification (germline): Pathogenic (1 of 4 stars; one submission).

Conditions:
Combined malonic and methylmalonic acidemia. Identifiers: Orphanet 289504, MedGen C3280314, MONDO:0013661, OMIM 614265.

Submission:

Labcorp Genetics (formerly Invitae), Labcorp
Classification: Pathogenic for Combined malonic and methylmalonic acidemia. Last evaluated: 2022-09-14. Review status: criteria provided, single submitter. Criteria: Invitae Variant Classification Sherloc (09022015). Collection method: clinical testing. Allele origin: germline.
Comment: For these reasons, this variant has been classified as Pathogenic. This variant has not been reported in the literature in individuals affected with ACSF3-related conditions. This variant is not present in population databases (gnomAD no frequency). This sequence change creates a premature translational stop signal (p.Trp343*) in the ACSF3 gene. It is expected to result in an absent or disrupted protein product. Loss-of-function variants in ACSF3 are known to be pathogenic (PMID: 21841779, 26827111).

Literature cited by the submitters: PubMed 21841779; PubMed 26827111.